The following is an entry in ClinVar:

ClinVar aggregate classification (germline): Conflicting classifications of pathogenicity. Review status: criteria provided, conflicting classifications (1 of 4 stars). 2 submissions from 2 submitters: Uncertain significance (1); Likely benign (1). Last evaluated 2016-12-06.

Conditions:
Wolfram syndrome 1 (WFS1). Identifiers: Orphanet 3463, MedGen C4551693, MONDO:0009101, OMIM 222300.

Allele frequency attached by ClinVar (database versions not stated): TOPMed below 0.00001; gnomAD exomes 0.00001 and below 0.00001; ExAC 0.00006.
gnomAD v4.1: 5 of 1,552,456 alleles (0.00032%); highest among the groups gnomAD compares: Non-Finnish European, 0.00035%; no homozygotes.

Submissions (2):

Laboratory for Molecular Medicine, Mass General Brigham Personalized Medicine
Classification: Uncertain significance. Last evaluated: 2016-12-06. Review status: criteria provided, single submitter. Criteria: LMM Criteria. Collection method: clinical testing. Allele origin: germline. Observed: 1 variant allele.
Comment: The c.-4C>T variant in WFS1 has not been previously reported in individuals with hearing loss or Wolfram syndrome, but has been identified in 1/6226 of European chromosomes by the Exome Aggregation Consortium (ExAC; dbSNP rs746340627). Although this variant alters the Kozak sequence, it is unclear if a C>T change at this position would impact protein translation. In summary, the clinical significance of the c.-4C>G variant is uncertain.

Clinical Genomics, Uppaluri K&H Personalized Medicine Clinic
Classification: Likely benign for Wolfram syndrome 1. Review status: criteria provided, single submitter. Criteria: K & H Uppaluri Personalized Medicine Clinic Variant Classification & Assertion Criteria_Updated V.1. Collection method: research. Allele origin: unknown. Inheritance: Autosomal recessive inheritance.
Comment: Potent mutations in WFS1 gene are associated with Wolfram's syndrome, an autosomal recessive condition, which cause diabetes mellitus, diabetes insipidus, deafness and optic atrophy.However no sufficient evidence is found to ascertain the role of this particular variant rs746340627 yet.

Literature cited by the submitters: PubMed 20738327 (cited by Clinical Genomics, Uppaluri K&H Personalized Medicine Clinic); PubMed 3387915 (cited by Clinical Genomics, Uppaluri K&H Personalized Medicine Clinic); PubMed 12955714 (cited by Clinical Genomics, Uppaluri K&H Personalized Medicine Clinic); PubMed 18060660 (cited by Clinical Genomics, Uppaluri K&H Personalized Medicine Clinic); PubMed 20301750 (cited by Clinical Genomics, Uppaluri K&H Personalized Medicine Clinic); PubMed 17603484 (cited by Clinical Genomics, Uppaluri K&H Personalized Medicine Clinic).

NM_006005.3(WFS1):c.-4C>T

Gene: WFS1 (wolframin ER transmembrane glycoprotein; plus strand). Cytogenetic location: 4p16.1.
Variant type: single nucleotide variant.
Coding change: c.-4C>T on transcript NM_006005.3 (MANE Select); 4 bases upstream of the start codon, C replaced by T.
Molecular consequence: 5 prime UTR variant. On other transcripts: intron variant (1).
Genome position (GRCh38, 1-based): chr4:6,277,452, C>T. VCF-style: chr4-6277452-C-T. GRCh37 (hg19) VCF-style: chr4-6279179-C-T.
Other names: c.-1-3C>T (NM_001145853.1).
Identifiers: ClinVar variation 505403 (VCV000505403.5), dbSNP rs746340627, ClinGen allele CA2838775.